The following is an entry in ClinVar:

NM_001267550.2(TTN):c.105706T>C (p.Ser35236Pro)

Genes: TTN-AS1 (TTN antisense RNA 1; plus strand), TTN (titin; minus strand), LOC129935183 (ATAC-STARR-seq lymphoblastoid active region 16808; plus strand). Cytogenetic location: 2q31.2.
Variant type: single nucleotide variant.
Coding change: c.105706T>C on transcript NM_001267550.2 (MANE Select); coding-DNA position 105706, T replaced by C.
Protein change: p.Ser35236Pro; replaces serine 35236 with proline.
Molecular consequence: missense variant.
Genome position (GRCh38, 1-based): chr2:178,530,909, A>G on the plus strand (T>C on the coding strand, the complement: TTN is on the minus strand). VCF-style: chr2-178530909-A-G. GRCh37 (hg19) VCF-style: chr2-179395636-A-G.
Other names: c.100783T>C, p.Ser33595Pro (NM_001256850.1); c.78511T>C, p.Ser26171Pro (NM_003319.4); c.98002T>C, p.Ser32668Pro (NM_133378.4); c.78886T>C, p.Ser26296Pro (NM_133432.3); c.79087T>C, p.Ser26363Pro (NM_133437.4); short protein forms S32668P, S26171P, S26296P, S26363P, S35236P, S33595P.
Identifiers: ClinVar variation 2041715 (VCV002041715.5), dbSNP rs370492077, ClinGen allele CA60953728.

ClinVar aggregate classification (germline): Uncertain significance. Review status: criteria provided, multiple submitters, no conflicts (2 of 4 stars). 2 submissions from 2 submitters: Uncertain significance (2). Last evaluated 2026-07-16.

Conditions:
Autosomal recessive limb-girdle muscular dystrophy type 2J (LGMDR10). Also called: Limb-girdle muscular dystrophy, type 2J; MUSCULAR DYSTROPHY, LIMB-GIRDLE, AUTOSOMAL RECESSIVE 10. Identifiers: Orphanet 140922, MedGen C1837342, MONDO:0012127, OMIM 608807.
Dilated cardiomyopathy 1G (CMD1G). Identifiers: Orphanet 154, MedGen C1858763, MONDO:0011400, OMIM 604145.
TTN-related disorder. Also called: TTN-related disorders; TTN-related condition; TTN-related disease.

Allele frequency attached by ClinVar (database versions not stated): gnomAD 0.00001; TOPMed 0.00002; ESP Exome Variant Server 0.00008.
gnomAD v4.1: 3 of 1,613,564 alleles (0.00019%); highest among the groups gnomAD compares: East Asian, 0.0022%; no homozygotes.

Submissions (2):

PreventionGenetics, part of Exact Sciences
Classification: Uncertain significance for TTN-related condition. Last evaluated: 2026-07-16. Review status: criteria provided, single submitter. Criteria: ACMG Guidelines, 2015. Collection method: clinical testing. Allele origin: germline.
Comment: The TTN c.105706T>C variant is predicted to result in the amino acid substitution p.Ser35236Pro. To our knowledge, this variant has not been reported in the literature or in a large population database (gnomAD), indicating this variant is rare. At this time, the clinical significance of this variant is uncertain due to the absence of conclusive functional and genetic evidence.

Labcorp Genetics (formerly Invitae), Labcorp
Classification: Uncertain significance for Dilated cardiomyopathy 1G; Autosomal recessive limb-girdle muscular dystrophy type 2J. Last evaluated: 2024-09-30. Review status: criteria provided, single submitter. Criteria: Invitae Variant Classification Sherloc (09022015). Collection method: clinical testing. Allele origin: germline.
Comment: This sequence change replaces serine, which is neutral and polar, with proline, which is neutral and non-polar, at codon 35236 of the TTN protein (p.Ser35236Pro). This variant is not present in population databases (gnomAD no frequency). This variant has not been reported in the literature in individuals affected with TTN-related conditions. ClinVar contains an entry for this variant (Variation ID: 2041715). Experimental studies and prediction algorithms are not available or were not evaluated, and the functional significance of this variant is currently unknown. This variant is located in the M band of TTN (PMID: 25589632). Non-truncating variants in this region may be relevant for neuromuscular disorders, but have not been definitively shown to cause cardiomyopathy (PMID: 23975875). In summary, the available evidence is currently insufficient to determine the role of this variant in disease. Therefore, it has been classified as a Variant of Uncertain Significance.

Literature cited by the submitters: PubMed 25589632 (cited by Labcorp Genetics (formerly Invitae), Labcorp); PubMed 23975875 (cited by Labcorp Genetics (formerly Invitae), Labcorp).